The following is an entry in ClinVar:

NM_014804.3(KIAA0753):c.2527G>A (p.Val843Met)

Gene: KIAA0753 (KIAA0753; minus strand). Cytogenetic location: 17p13.1.
Variant type: single nucleotide variant.
Coding change: c.2527G>A on transcript NM_014804.3 (MANE Select); coding-DNA position 2527, G replaced by A.
Protein change: p.Val843Met; replaces valine 843 with methionine.
Molecular consequence: missense variant. On other transcripts: non-coding transcript variant (3).
Genome position (GRCh38, 1-based): chr17:6,590,544, C>T on the plus strand (G>A on the coding strand, the complement: KIAA0753 is on the minus strand). VCF-style: chr17-6590544-C-T. GRCh37 (hg19) VCF-style: chr17-6493864-C-T.
Other names: c.1630G>A, p.Val544Met (NM_001351225.2); short protein forms V544M, V843M.
Identifiers: ClinVar variation 1906363 (VCV001906363.4), dbSNP rs376343290, ClinGen allele CA8330121.
Genomic context (GRCh38, chr17:6,590,544, plus strand): 5'-AATCAGAAAGTGTCTTTGCCACTTACTTGCCATTACAGGGCCTTTCTAACATGATGTTCA[C>T]GGCTGGATCCTTGCGATCCACTGTCTTCGTGATTCTGATTGGATGAGGAGATAGAGGCTT-3'
Protein context (NP_055619.2, residues 833-853): TKTVDRKDPA[Val843Met]NIMLERPCNG

ClinVar aggregate classification (germline): Uncertain significance (1 of 4 stars; one submission).

Allele frequency attached by ClinVar (database versions not stated): gnomAD exomes 0.00001; TOPMed 0.00001; gnomAD 0.00002; ExAC 0.00003; ESP Exome Variant Server 0.00008.

Submission:

Labcorp Genetics (formerly Invitae), Labcorp
Classification: Uncertain significance. Last evaluated: 2022-08-09. Review status: criteria provided, single submitter. Criteria: Invitae Variant Classification Sherloc (09022015). Collection method: clinical testing. Allele origin: germline.
Comment: In summary, the available evidence is currently insufficient to determine the role of this variant in disease. Therefore, it has been classified as a Variant of Uncertain Significance. Algorithms developed to predict the effect of missense changes on protein structure and function are either unavailable or do not agree on the potential impact of this missense change (SIFT: "Deleterious"; PolyPhen-2: "Benign"; Align-GVGD: "Class C0"). This variant has not been reported in the literature in individuals affected with KIAA0753-related conditions. This variant is present in population databases (rs376343290, gnomAD 0.008%). This sequence change replaces valine, which is neutral and non-polar, with methionine, which is neutral and non-polar, at codon 843 of the KIAA0753 protein (p.Val843Met).